The following is an entry in ClinVar:

NM_000090.4(COL3A1):c.1034G>A (p.Gly345Glu)

Gene: COL3A1 (collagen type III alpha 1 chain; plus strand). Cytogenetic location: 2q32.2.
Variant type: single nucleotide variant.
Coding change: c.1034G>A on transcript NM_000090.4 (MANE Select); coding-DNA position 1034, G replaced by A.
Protein change: p.Gly345Glu; replaces glycine 345 with glutamic acid.
Molecular consequence: missense variant.
Genome position (GRCh38, 1-based): chr2:188,992,924, G>A. VCF-style: chr2-188992924-G-A. GRCh37 (hg19) VCF-style: chr2-189857650-G-A.
Other names: short protein forms G345E.
Identifiers: ClinVar variation 4820016 (VCV004820016.1).

ClinVar aggregate classification (germline): Likely pathogenic (1 of 4 stars; one submission).

Conditions:
Familial thoracic aortic aneurysm and aortic dissection (TAAD). Also called: Thoracic aortic aneurysms and dissections. Identifiers: Orphanet 91387, MedGen C4707243, MONDO:0019625.

Submission:

Centre of Medical Genetics, University of Antwerp
Classification: Likely pathogenic for Familial thoracic aortic aneurysm and aortic dissection. Last evaluated: 2024-09-06. Review status: criteria provided, single submitter. Criteria: ACMG Guidelines, 2015. Collection method: clinical testing. Allele origin: germline. Affected: yes.
Comment: LP(PM1-2, PM5; PP2-3)